The following is an entry in ClinVar:

NM_024675.4(PALB2):c.30C>G (p.Ser10Arg)

Gene: PALB2 (partner and localizer of BRCA2; minus strand). Cytogenetic location: 16p12.2.
Variant type: single nucleotide variant.
Coding change: c.30C>G on transcript NM_024675.4 (MANE Select); coding-DNA position 30, C replaced by G.
Protein change: p.Ser10Arg; replaces serine 10 with arginine.
Molecular consequence: missense variant.
Genome position (GRCh38, 1-based): chr16:23,641,128, G>C on the plus strand (C>G on the coding strand, the complement: PALB2 is on the minus strand). VCF-style: chr16-23641128-G-C. GRCh37 (hg19) VCF-style: chr16-23652449-G-C.
Other names: c.30C>G (NM_024675.3); short protein forms S10R.
Identifiers: ClinVar variation 1497470 (VCV001497470.12), dbSNP rs758500749, ClinGen allele CA7963889.

ClinVar aggregate classification (germline): Conflicting classifications of pathogenicity. Review status: criteria provided, conflicting classifications (1 of 4 stars). 2 submissions from 2 submitters: Likely pathogenic (1); Uncertain significance (1). Last evaluated 2025-06-05.

Conditions:
Hereditary cancer-predisposing syndrome. Also called: Tumor predisposition; Hereditary neoplastic syndrome; Neoplastic Syndromes, Hereditary; Hereditary Cancer Syndrome. Identifiers: Orphanet 140162, MedGen C0027672, MeSH D009386, MONDO:0015356.
Familial cancer of breast. Also called: hereditary breast carcinoma; Hereditary breast cancer; BREAST CANCER, FAMILIAL. Identifiers: Orphanet 227535, MedGen C0346153, MONDO:0016419, OMIM 114480. Disease mechanism: loss of function.

Allele frequency attached by ClinVar (database versions not stated): gnomAD exomes below 0.00001; ExAC 0.00001.
gnomAD v4.1: 1 of 1,613,546 alleles (0.000062%); highest among the groups gnomAD compares: Non-Finnish European, 0.000085%; no homozygotes.

Submissions (2):

Ambry Genetics
Classification: Likely pathogenic for Hereditary cancer-predisposing syndrome. Last evaluated: 2025-06-05. Review status: criteria provided, single submitter. Criteria: Ambry Variant Classification Scheme 2023. Collection method: clinical testing. Allele origin: germline.
Comment: The c.30C>G variant (also known as p.S10R), located in coding exon 1 of the PALB2 gene, results from a C to G substitution at nucleotide position 30. The serine at codon 10 is replaced by arginine, an amino acid with dissimilar properties. This nucleotide position is highly conserved in available vertebrate species. In silico splice site analysis predicts that this alteration will weaken the native splice donor site and will result in the creation or strengthening of a novel splice donor site. RNA studies have demonstrated that this alteration results in abnormal splicing in the set of samples tested (Ambry internal data). Based on the majority of available evidence to date, this variant is likely to be pathogenic.

Labcorp Genetics (formerly Invitae), Labcorp
Classification: Uncertain significance for Familial cancer of breast. Last evaluated: 2023-12-14. Review status: criteria provided, single submitter. Criteria: Invitae Variant Classification Sherloc (09022015). Collection method: clinical testing. Allele origin: germline.
Comment: This sequence change replaces serine, which is neutral and polar, with arginine, which is basic and polar, at codon 10 of the PALB2 protein (p.Ser10Arg). This variant is present in population databases (rs758500749, gnomAD 0.0009%). This variant has not been reported in the literature in individuals affected with PALB2-related conditions. ClinVar contains an entry for this variant (Variation ID: 1497470). An algorithm developed to predict the effect of missense changes on protein structure and function (PolyPhen-2) suggests that this variant is likely to be disruptive. Algorithms developed to predict the effect of sequence changes on RNA splicing suggest that this variant may disrupt the consensus splice site. In summary, the available evidence is currently insufficient to determine the role of this variant in disease. Therefore, it has been classified as a Variant of Uncertain Significance.